The following is an entry in ClinVar:

NM_016103.4(SAR1B):c.479A>C (p.Lys160Thr)

Gene: SAR1B (secretion associated Ras related GTPase 1B; minus strand). Cytogenetic location: 5q31.1.
Variant type: single nucleotide variant.
Coding change: c.479A>C on transcript NM_016103.4 (MANE Select); coding-DNA position 479, A replaced by C.
Protein change: p.Lys160Thr; replaces lysine 160 with threonine.
Molecular consequence: missense variant.
Genome position (GRCh38, 1-based): chr5:134,608,373, T>G on the plus strand (A>C on the coding strand, the complement: SAR1B is on the minus strand). VCF-style: chr5-134608373-T-G. GRCh37 (hg19) VCF-style: chr5-133944063-T-G.
Other names: c.479A>C, p.Lys160Thr (NM_001033503.3); c.479A>C (NM_001033503.2); short protein forms K160T.
Identifiers: ClinVar variation 2873298 (VCV002873298.4), dbSNP rs754263977, ClinGen allele CA3414439.

ClinVar aggregate classification (germline): Uncertain significance. Review status: criteria provided, multiple submitters, no conflicts (2 of 4 stars). 2 submissions from 2 submitters: Uncertain significance (2). Last evaluated 2025-02-17.

Conditions:
Inborn genetic diseases. Identifiers: MedGen C0950123, MeSH D030342.

Allele frequency attached by ClinVar (database versions not stated): gnomAD exomes below 0.00001.
gnomAD v4.1: 4 of 1,564,906 alleles (0.00026%); highest among the groups gnomAD compares: Non-Finnish European, 0.00035%; no homozygotes.

Submissions (2):

Labcorp Genetics (formerly Invitae), Labcorp
Classification: Uncertain significance. Last evaluated: 2025-02-17. Review status: criteria provided, single submitter. Criteria: Invitae Variant Classification Sherloc (09022015). Collection method: clinical testing. Allele origin: germline.
Comment: This sequence change replaces lysine, which is basic and polar, with threonine, which is neutral and polar, at codon 160 of the SAR1B protein (p.Lys160Thr). This variant is not present in population databases (gnomAD no frequency). This variant has not been reported in the literature in individuals affected with SAR1B-related conditions. ClinVar contains an entry for this variant (Variation ID: 2873298). An algorithm developed to predict the effect of missense changes on protein structure and function (PolyPhen-2) suggests that this variant is likely to be disruptive. In summary, the available evidence is currently insufficient to determine the role of this variant in disease. Therefore, it has been classified as a Variant of Uncertain Significance.

Ambry Genetics
Classification: Uncertain significance for Inborn genetic diseases. Last evaluated: 2024-10-19. Review status: criteria provided, single submitter. Criteria: Ambry Variant Classification Scheme 2023. Collection method: clinical testing. Allele origin: germline.